The following is an entry in ClinVar:

NM_176787.5(PIGN):c.881A>G (p.Gln294Arg)

Gene: PIGN (phosphatidylinositol glycan anchor biosynthesis class N; minus strand). Cytogenetic location: 18q21.33.
Variant type: single nucleotide variant.
Coding change: c.881A>G on transcript NM_176787.5 (MANE Select); coding-DNA position 881, A replaced by G.
Protein change: p.Gln294Arg; replaces glutamine 294 with arginine.
Molecular consequence: missense variant.
Genome position (GRCh38, 1-based): chr18:62,145,950, T>C on the plus strand (A>G on the coding strand, the complement: PIGN is on the minus strand). VCF-style: chr18-62145950-T-C. GRCh37 (hg19) VCF-style: chr18-59813183-T-C.
Other names: c.881A>G, p.Gln294Arg (NM_012327.6); short protein forms Q294R.
Identifiers: ClinVar variation 855668 (VCV000855668.10), dbSNP rs369738113, ClinGen allele CA8982472.
Genomic context (GRCh38, chr18:62,145,950, plus strand): 5'-AGTAAAGAAATGCTTGTACCTTTCAAAAATGCATCATCAAATTGCTGAGCTGATACTCTT[T>C]GGGGATACTTGATTCCAGCTCCCCAAGTGACTAAAGGAGTTAAAGTCTCTGAAGGATGAC-3'
Protein context (NP_789744.1, residues 284-304): VTWGAGIKYP[Gln294Arg]RVSAQQFDDA

ClinVar aggregate classification (germline): Uncertain significance. Review status: criteria provided, multiple submitters, no conflicts (2 of 4 stars). 3 submissions from 3 submitters: Uncertain significance (3). Last evaluated 2026-08-04.

Conditions:
Multiple congenital anomalies-hypotonia-seizures syndrome 1 (MCAHS1). Also called: PIGN-CDG; Congenital disorder of glycosylation due to PIGN deficiency; GLYCOSYLPHOSPHATIDYLINOSITOL BIOSYNTHESIS DEFECT 3. Identifiers: Orphanet 280633, MedGen C3279775, MONDO:0013563, OMIM 614080.

Allele frequency attached by ClinVar (database versions not stated): ExAC 0.00001; gnomAD exomes 0.00001 and 0.00002; TOPMed 0.00001; gnomAD 0.00003; ESP Exome Variant Server 0.00017.
gnomAD v4.1: 36 of 1,608,304 alleles (0.0022%); highest among the groups gnomAD compares: Non-Finnish European, 0.003%; 1 homozygote.

Submissions (3):

GeneDx
Classification: Uncertain significance. Last evaluated: 2026-08-04. Review status: criteria provided, single submitter. Criteria: GeneDx Variant Classification Process June 2021. Collection method: clinical testing. Allele origin: germline.
Comment: Not observed at significant frequency in large population cohorts (gnomAD); In silico analysis suggests that this missense variant does not alter protein structure/function; Has not been previously published as pathogenic or benign to our knowledge

Labcorp Genetics (formerly Invitae), Labcorp
Classification: Uncertain significance for Multiple congenital anomalies-hypotonia-seizures syndrome 1. Last evaluated: 2025-12-20. Review status: criteria provided, single submitter. Criteria: Invitae Variant Classification Sherloc (09022015). Collection method: clinical testing. Allele origin: germline.
Comment: This sequence change replaces glutamine, which is neutral and polar, with arginine, which is basic and polar, at codon 294 of the PIGN protein (p.Gln294Arg). This variant is present in population databases (rs369738113, gnomAD 0.006%). This variant has not been reported in the literature in individuals affected with PIGN-related conditions. ClinVar contains an entry for this variant (Variation ID: 855668). Invitae Evidence Modeling of protein sequence and biophysical properties (such as structural, functional, and spatial information, amino acid conservation, physicochemical variation, residue mobility, and thermodynamic stability) indicates that this missense variant is not expected to disrupt PIGN protein function with a negative predictive value of 80%. In summary, the available evidence is currently insufficient to determine the role of this variant in disease. Therefore, it has been classified as a Variant of Uncertain Significance.

Blueprint Genetics
Classification: Uncertain significance. Last evaluated: 2024-01-11. Review status: criteria provided, single submitter. Criteria: ACMG Guidelines, 2015. Collection method: clinical testing. Allele origin: germline.